The following is an entry in ClinVar:

ClinVar aggregate classification (germline): Likely pathogenic (1 of 4 stars; one submission).

Conditions:
Renal cyst. Also called: Cystic kidney disease; Renal cysts; cystic kidneys. Identifiers: MedGen C3887499, MONDO:0002473, HP:0000107.

Submission:

Victorian Clinical Genetics Services, Murdoch Childrens Research Institute
Classification: Likely pathogenic for Renal cyst. Last evaluated: 2024-10-09. Review status: criteria provided, single submitter. Criteria: ACMG Guidelines, 2015. Collection method: clinical testing. Allele origin: germline. Inheritance: Autosomal dominant inheritance. Affected: yes.
Comment: Based on the classification scheme VCGS_Germline_v1.3.5, this variant is classified as Likely Pathogenic. Following criteria are met: 0102 - Loss of function is a known mechanism of disease in this gene and is associated with retinitis pigmentosa 80 (MIM#617781), short-rib thoracic dysplasia 9 with or without polydactyly (MIM#266920) and cystic kidney disease (MONDO#0002473), IFT140-related (PMID: 34890546). (I) 0108 - This gene is associated with both recessive and dominant disease. Retinitis pigmentosa 80 (MIM#617781) and short-rib thoracic dysplasia 9 with or without polydactyly (MIM#266920) are inherited in an autosomal recessive manner, while cystic kidney disease (MONDO#0002473), IFT140-related is inherited in an autosomal dominant manner (OMIM, PMID: 34890546) . (I) 0112 - The dominant condition associated with this gene may have incomplete penetrance. Parents of children with short-rib thoracic dysplasia 9 with or without polydactyly, who carry a single pathogenic variant that has also previously been associated with the dominant cystic kidney disease phenotype, have been reported as unaffected (PMID: 34890546). However these parents weren't specifically assessed for cystic kidney disease. (I) 0211 - Canonical splice site variant without proven consequence on splicing (no functional evidence available). (SP) 0251 - This variant is heterozygous. (I) 0301 - Variant is absent from gnomAD (v2, v3 and v4). (SP) 0505 - Abnormal splicing is predicted by in silico tools and affected nucleotide is highly conserved. (SP) 0604 - Variant is not located in an established domain, motif, hotspot or informative constraint region. (I) 0807 - This variant has no previous evidence of pathogenicity. (I) 0905 - No published segregation evidence has been identified for this variant. (I) 1007 - No published functional evidence has been identified for this variant. (I) 1208 - Inheritance information for this variant is not currently available in this individual. (I) Legend: (SP) - Supporting pathogenic, (I) - Information, (SB) - Supporting benign

Literature cited by the submitters: PubMed 34890546.

NM_014714.4(IFT140):c.1652+1G>T

Gene: IFT140 (intraflagellar transport 140; minus strand). Cytogenetic location: 16p13.3.
Variant type: single nucleotide variant.
Coding change: c.1652+1G>T on transcript NM_014714.4 (MANE Select); the canonical splice donor site of the intron after coding-DNA position 1652, G replaced by T.
Molecular consequence: splice donor variant.
Genome position (GRCh38, 1-based): chr16:1,571,406, C>A on the plus strand (G>T on the coding strand, the complement: IFT140 is on the minus strand). VCF-style: chr16-1571406-C-A. GRCh37 (hg19) VCF-style: chr16-1621407-C-A.
Identifiers: ClinVar variation 3376815 (VCV003376815.1).